The following is an entry in ClinVar:

NM_001903.5(CTNNA1):c.44C>T (p.Pro15Leu)

Gene: CTNNA1 (catenin alpha 1; plus strand). Cytogenetic location: 5q31.2.
Variant type: single nucleotide variant.
Coding change: c.44C>T on transcript NM_001903.5 (MANE Select); coding-DNA position 44, C replaced by T.
Protein change: p.Pro15Leu; replaces proline 15 with leucine.
Molecular consequence: missense variant. On other transcripts: 5 prime UTR variant (2).
Genome position (GRCh38, 1-based): chr5:138,781,968, C>T. VCF-style: chr5-138781968-C-T. GRCh37 (hg19) VCF-style: chr5-138117657-C-T.
Other names: c.44C>T, p.Pro15Leu (NM_001290307.3, NM_001323982.2, NM_001323983.1 and 3 more transcripts); c.-70C>T (NM_001290309.3); c.-163C>T (NM_001290310.3); short protein forms P15L.
Identifiers: ClinVar variation 1006597 (VCV001006597.12), dbSNP rs988942117, ClinGen allele CA361477117.

ClinVar aggregate classification (germline): Uncertain significance. Review status: criteria provided, multiple submitters, no conflicts (2 of 4 stars). 2 submissions from 2 submitters: Uncertain significance (2). Last evaluated 2025-12-19.

Conditions:
Hereditary cancer-predisposing syndrome. Also called: Hereditary neoplastic syndrome; Neoplastic Syndromes, Hereditary; Tumor predisposition; Hereditary Cancer Syndrome. Identifiers: Orphanet 140162, MedGen C0027672, MeSH D009386, MONDO:0015356.

Submissions (2):

Labcorp Genetics (formerly Invitae), Labcorp
Classification: Uncertain significance. Last evaluated: 2025-12-19. Review status: criteria provided, single submitter. Criteria: Invitae Variant Classification Sherloc (09022015). Collection method: clinical testing. Allele origin: germline.
Comment: This sequence change replaces proline, which is neutral and non-polar, with leucine, which is neutral and non-polar, at codon 15 of the CTNNA1 protein (p.Pro15Leu). This variant is not present in population databases (gnomAD no frequency). This variant has not been reported in the literature in individuals affected with CTNNA1-related conditions. ClinVar contains an entry for this variant (Variation ID: 1006597). Invitae Evidence Modeling of protein sequence and biophysical properties (such as structural, functional, and spatial information, amino acid conservation, physicochemical variation, residue mobility, and thermodynamic stability) indicates that this missense variant is not expected to disrupt CTNNA1 protein function with a negative predictive value of 80%. In summary, the available evidence is currently insufficient to determine the role of this variant in disease. Therefore, it has been classified as a Variant of Uncertain Significance.

Ambry Genetics
Classification: Uncertain significance for Hereditary cancer-predisposing syndrome. Last evaluated: 2025-08-24. Review status: criteria provided, single submitter. Criteria: Ambry Variant Classification Scheme 2023. Collection method: clinical testing. Allele origin: germline.
Comment: The p.P15L variant (also known as c.44C>T), located in coding exon 1 of the CTNNA1 gene, results from a C to T substitution at nucleotide position 44. The proline at codon 15 is replaced by leucine, an amino acid with similar properties. This amino acid position is conserved. In addition, the in silico prediction for this alteration is inconclusive. Since supporting evidence is limited at this time, the clinical significance of this alteration remains unclear.